The following is an entry in ClinVar:

NM_000038.6(APC):c.4203T>G (p.Ile1401Met)

Gene: APC (APC regulator of Wnt signaling pathway; plus strand). Cytogenetic location: 5q22.2.
Variant type: single nucleotide variant.
Coding change: c.4203T>G on transcript NM_000038.6 (MANE Select); coding-DNA position 4203, T replaced by G.
Protein change: p.Ile1401Met; replaces isoleucine 1401 with methionine.
Molecular consequence: missense variant.
Genome position (GRCh38, 1-based): chr5:112,839,797, T>G. VCF-style: chr5-112839797-T-G. GRCh37 (hg19) VCF-style: chr5-112175494-T-G.
Other names: c.4203T>G, p.Ile1401Met (NM_001127510.3, NM_001354895.2, NM_001407450.1); c.4149T>G, p.Ile1383Met (NM_001127511.3); c.4257T>G, p.Ile1419Met (NM_001354896.2, NM_001407447.1, NM_001407448.1 and 1 more transcripts); c.4233T>G, p.Ile1411Met (NM_001354897.2); c.4128T>G, p.Ile1376Met (NM_001354898.2); c.4119T>G, p.Ile1373Met (NM_001354899.2); c.4080T>G, p.Ile1360Met (NM_001354900.2); c.4026T>G, p.Ile1342Met (NM_001354901.2, NM_001407453.1); and 11 more; short protein forms I1318M, I1394M, I1300M, I1342M, I1383M, I1401M, I1411M, I1419M.
Identifiers: ClinVar variation 2121896 (VCV002121896.4), dbSNP rs2149908917, ClinGen allele CA16030542.

ClinVar aggregate classification (germline): Uncertain significance (1 of 4 stars; one submission).

Conditions:
Familial adenomatous polyposis 1 (FAP1). Also called: POLYPOSIS, ADENOMATOUS INTESTINAL; FAMILIAL ADENOMATOUS POLYPOSIS 1, ATTENUATED. Identifiers: MedGen C2713442, MONDO:0021056, OMIM 175100. Disease mechanism: loss of function.

Submission:

Labcorp Genetics (formerly Invitae), Labcorp
Classification: Uncertain significance for Familial adenomatous polyposis 1. Last evaluated: 2022-04-06. Review status: criteria provided, single submitter. Criteria: Invitae Variant Classification Sherloc (09022015). Collection method: clinical testing. Allele origin: germline.
Comment: This variant has not been reported in the literature in individuals affected with APC-related conditions. This variant is not present in population databases (gnomAD no frequency). This sequence change replaces isoleucine, which is neutral and non-polar, with methionine, which is neutral and non-polar, at codon 1401 of the APC protein (p.Ile1401Met). In summary, the available evidence is currently insufficient to determine the role of this variant in disease. Therefore, it has been classified as a Variant of Uncertain Significance. Algorithms developed to predict the effect of missense changes on protein structure and function are either unavailable or do not agree on the potential impact of this missense change (SIFT: "Tolerated"; PolyPhen-2: "Probably Damaging"; Align-GVGD: "Class C0").